The following is an entry in ClinVar:

ClinVar aggregate classification (germline): Uncertain significance (1 of 4 stars; one submission).

Submission:

OLLIN Analises Genomicas, OLLIN
Classification: Uncertain significance. Last evaluated: 2026-08-06. Review status: criteria provided, single submitter. Criteria: ACMG Guidelines 2015 PMID 25741868. Collection method: clinical testing. Allele origin: germline.
Comment: This missense variant, located in exon 9 (of 38), is absent from gnomAD and ClinVar and has not been identified in the literature. In silico analysis is inconclusive regarding the impact of this variant. According to the currently available evidence, this variant has been classified as uncertain significance (PM2_P).

NM_001875.5(CPS1):c.897A>G (p.Ile299Met)

Gene: CPS1 (carbamoyl-phosphate synthase 1; plus strand). Cytogenetic location: 2q34.
Variant type: single nucleotide variant.
Coding change: c.897A>G on transcript NM_001875.5 (MANE Select); coding-DNA position 897, A replaced by G.
Protein change: p.Ile299Met; replaces isoleucine 299 with methionine.
Molecular consequence: missense variant. On other transcripts: non-coding transcript variant (1).
Genome position (GRCh38, 1-based): chr2:210,590,856, A>G. VCF-style: chr2-210590856-A-G. GRCh37 (hg19) VCF-style: chr2-211455580-A-G.
Other names: c.897A>G, p.Ile299Met (NM_001122633.3, NM_001369257.1); c.930A>G, p.Ile310Met (NM_001369256.1); short protein forms I299M, I310M.
Identifiers: ClinVar variation 5003065 (VCV005003065.1).